The following is an entry in ClinVar:

ClinVar aggregate classification (germline): Uncertain significance (1 of 4 stars; one submission).

Conditions:
Hereditary cancer-predisposing syndrome. Also called: Hereditary Cancer Syndrome; Hereditary neoplastic syndrome; Neoplastic Syndromes, Hereditary; Tumor predisposition. Identifiers: Orphanet 140162, MedGen C0027672, MeSH D009386, MONDO:0015356.

Submission:

Ambry Genetics
Classification: Uncertain significance for Hereditary cancer-predisposing syndrome. Last evaluated: 2025-07-01. Review status: criteria provided, single submitter. Criteria: Ambry Variant Classification Scheme 2023. Collection method: clinical testing. Allele origin: germline.
Comment: The p.A385G variant (also known as c.1154C>G), located in coding exon 8 of the FH gene, results from a C to G substitution at nucleotide position 1154. The alanine at codon 385 is replaced by glycine, an amino acid with similar properties. This amino acid position is highly conserved in available vertebrate species. In addition, this alteration is predicted to be deleterious by in silico analysis. Based on the available evidence, the clinical significance of this variant remains unclear.

NM_000143.4(FH):c.1154C>G (p.Ala385Gly)

Gene: FH (fumarate hydratase; minus strand). Cytogenetic location: 1q43.
Variant type: single nucleotide variant.
Coding change: c.1154C>G on transcript NM_000143.4 (MANE Select); coding-DNA position 1154, C replaced by G.
Protein change: p.Ala385Gly; replaces alanine 385 with glycine.
Molecular consequence: missense variant.
Genome position (GRCh38, 1-based): chr1:241,502,525, G>C on the plus strand (C>G on the coding strand, the complement: FH is on the minus strand). VCF-style: chr1-241502525-G-C. GRCh37 (hg19) VCF-style: chr1-241665825-G-C.
Other names: short protein forms A385G.
Identifiers: ClinVar variation 4257333 (VCV004257333.1).